The following is an entry in ClinVar:

GRCh37/hg19 2q35(chr2:215557511-215623955)x1

Gene: BARD1 (BRCA1 associated RING domain 1; minus strand). Cytogenetic location: 2q35.
Variant type: copy number loss.
Change: copy number 1 (one copy instead of two) of chr2:215,557,511-215,623,955 (66.4 kb, GRCh37 coordinates, 1-based), cytogenetic band 2q35.
Identifiers: ClinVar variation 1808670 (VCV001808670.1).

ClinVar aggregate classification (germline): Pathogenic (1 of 4 stars; one submission).

Submission:

Quest Diagnostics Nichols Institute San Juan Capistrano
Classification: Pathogenic. Last evaluated: 2022-05-18. Review status: criteria provided, single submitter. Criteria: ACMG/ClinGen CNV Guidelines, 2019. Collection method: clinical testing. Allele origin: unknown.
Comment: The copy number loss of 2q35 involves multiple exons (NM_000465.4) of the 3' portion of BARD1 (OMIM 601593), though it is not clear whether expression of this gene has been disrupted by this partial loss. Haploinsufficiency of BARD1 is associated with autosomal dominant familial breast cancer (OMIM 114480), and there have been two reports of similar heterozygous deletions in BARD1 (Carter 2018, Rofes 2021). There are no similar copy number losses of this region in the general populations of the Database of Genomic Variants. As copy number losses of this interval have been associated with a clinical phenotype this copy number variant (CNV) is interpreted as pathogenic. References: Rofes et al, Genes (Basel). 2021;12(2):150. PMID: 33498765 Carter et al, Gynecol Oncol. 2018;151(3):481-488. PMID: 30322717